The following is an entry in ClinVar:

ClinVar aggregate classification (germline): Uncertain significance. Review status: criteria provided, multiple submitters, no conflicts (2 of 4 stars). 2 submissions from 2 submitters: Uncertain significance (2). Last evaluated 2022-07-19.

Conditions:
LAMA2-related muscular dystrophy (LAMA2-RD). Also called: Laminin alpha 2-related dystrophy. Identifiers: MedGen C5679788, MONDO:0100228.

Allele frequency attached by ClinVar (database versions not stated): gnomAD exomes below 0.00001; ExAC 0.00001; gnomAD 0.00001; TOPMed 0.00001.
gnomAD v4.1: 8 of 1,613,932 alleles (0.0005%); highest among the groups gnomAD compares: South Asian, 0.0055%; no homozygotes.

Submissions (2):

Labcorp Genetics (formerly Invitae), Labcorp
Classification: Uncertain significance for LAMA2-related muscular dystrophy. Last evaluated: 2022-07-19. Review status: criteria provided, single submitter. Criteria: Invitae Variant Classification Sherloc (09022015). Collection method: clinical testing. Allele origin: germline.
Comment: This sequence change replaces proline, which is neutral and non-polar, with threonine, which is neutral and polar, at codon 1531 of the LAMA2 protein (p.Pro1531Thr). This variant is present in population databases (rs774807922, gnomAD 0.003%). This variant has not been reported in the literature in individuals affected with LAMA2-related conditions. ClinVar contains an entry for this variant (Variation ID: 1056273). Advanced modeling of protein sequence and biophysical properties (such as structural, functional, and spatial information, amino acid conservation, physicochemical variation, residue mobility, and thermodynamic stability) performed at Invitae indicates that this missense variant is not expected to disrupt LAMA2 protein function. In summary, the available evidence is currently insufficient to determine the role of this variant in disease. Therefore, it has been classified as a Variant of Uncertain Significance.

Revvity Omics, Revvity
Classification: Uncertain significance. Last evaluated: 2019-08-20. Review status: criteria provided, single submitter. Criteria: ACMG Guidelines, 2015. Collection method: clinical testing. Allele origin: germline.

NM_000426.4(LAMA2):c.4591C>A (p.Pro1531Thr)

Gene: LAMA2 (laminin subunit alpha 2; plus strand). Cytogenetic location: 6q22.33.
Variant type: single nucleotide variant.
Coding change: c.4591C>A on transcript NM_000426.4 (MANE Select); coding-DNA position 4591, C replaced by A.
Protein change: p.Pro1531Thr; replaces proline 1531 with threonine.
Molecular consequence: missense variant.
Genome position (GRCh38, 1-based): chr6:129,353,231, C>A. VCF-style: chr6-129353231-C-A. GRCh37 (hg19) VCF-style: chr6-129674376-C-A.
Other names: c.4591C>A (NM_000426.3); c.4591C>A, p.Pro1531Thr (NM_001079823.2); short protein forms P1531T.
Identifiers: ClinVar variation 1056273 (VCV001056273.6), dbSNP rs774807922, ClinGen allele CA3993604.